The following is an entry in ClinVar:

NM_001330078.2(NRXN1):c.3611A>G (p.Asn1204Ser)

Gene: NRXN1 (neurexin 1; minus strand). Cytogenetic location: 2p16.3.
Variant type: single nucleotide variant.
Coding change: c.3611A>G on transcript NM_001330078.2 (MANE Select); coding-DNA position 3611, A replaced by G.
Protein change: p.Asn1204Ser; replaces asparagine 1204 with serine.
Molecular consequence: missense variant.
Genome position (GRCh38, 1-based): chr2:50,091,430, T>C on the plus strand (A>G on the coding strand, the complement: NRXN1 is on the minus strand). VCF-style: chr2-50091430-T-C. GRCh37 (hg19) VCF-style: chr2-50318568-T-C.
Other names: c.3731A>G, p.Asn1244Ser (NM_001135659.3); c.3587A>G, p.Asn1196Ser (NM_001330077.2, NM_001330082.2); c.3545A>G, p.Asn1182Ser (NM_001330083.2, NM_001330084.2); c.3584A>G, p.Asn1195Ser (NM_001330085.2); c.3611A>G, p.Asn1204Ser (NM_001330086.2, NM_004801.6); c.3500A>G, p.Asn1167Ser (NM_001330087.2, NM_001330096.2); c.3530A>G, p.Asn1177Ser (NM_001330088.2); c.506A>G, p.Asn169Ser (NM_001330091.2, NM_001330092.2, NM_001330097.2 and 1 more transcripts); and 4 more; short protein forms N1182S, N1200S, N169S, N1167S, N1177S, N1196S, N1203S, N1244S.
Identifiers: ClinVar variation 3633132 (VCV003633132.3).
Genomic context (GRCh38, chr2:50,091,430, plus strand): 5'-GCATTGCCACCACTCCTCGTGAAACGAACTACATGGTATTTCCCATCATTAATGATTGCA[T>C]TGGATTCTTCAATGGCGATGTCATCTGTCCCAACATTAAACTTAACTCCAATTTTTCCCT-3'
Protein context (NP_001317007.1, residues 1194-1214): GTDDIAIEES[Asn1204Ser]AIINDGKYHV

ClinVar aggregate classification (germline): Uncertain significance. Review status: criteria provided, multiple submitters, no conflicts (2 of 4 stars). 2 submissions from 2 submitters: Uncertain significance (2). Last evaluated 2025-08-14.

Conditions:
Pitt-Hopkins-like syndrome 2 (PTHSL2). Identifiers: Orphanet 221150, Orphanet 600663, MedGen C3280479, MONDO:0013690, OMIM 614325.
Inborn genetic diseases. Identifiers: MedGen C0950123, MeSH D030342.

gnomAD v4.1: 12 of 1,614,110 alleles (0.00074%); highest among the groups gnomAD compares: South Asian, 0.0011%; no homozygotes.

Submissions (2):

Ambry Genetics
Classification: Uncertain significance for Inborn genetic diseases. Last evaluated: 2025-08-14. Review status: criteria provided, single submitter. Criteria: Ambry Variant Classification Scheme 2023. Collection method: clinical testing. Allele origin: germline.

Labcorp Genetics (formerly Invitae), Labcorp
Classification: Uncertain significance for Pitt-Hopkins-like syndrome 2. Last evaluated: 2025-03-01. Review status: criteria provided, single submitter. Criteria: Invitae Variant Classification Sherloc (09022015). Collection method: clinical testing. Allele origin: germline.
Comment: This sequence change replaces asparagine, which is neutral and polar, with serine, which is neutral and polar, at codon 1244 of the NRXN1 protein (p.Asn1244Ser). This variant is present in population databases (rs745980302, gnomAD 0.003%). This variant has not been reported in the literature in individuals affected with NRXN1-related conditions. Invitae Evidence Modeling of protein sequence and biophysical properties (such as structural, functional, and spatial information, amino acid conservation, physicochemical variation, residue mobility, and thermodynamic stability) indicates that this missense variant is not expected to disrupt NRXN1 protein function with a negative predictive value of 80%. In summary, the available evidence is currently insufficient to determine the role of this variant in disease. Therefore, it has been classified as a Variant of Uncertain Significance.